The following is an entry in ClinVar:

ClinVar aggregate classification (germline): Uncertain significance (1 of 4 stars; one submission).

Conditions:
Amyotrophic lateral sclerosis type 4 (ALS4). Also called: NEURONOPATHY, DISTAL HEREDITARY MOTOR, WITH PYRAMIDAL FEATURES; AMYOTROPHIC LATERAL SCLEROSIS 4, JUVENILE. Identifiers: Orphanet 357043, MedGen C1865409, MONDO:0011223, OMIM 602433.
Spinocerebellar ataxia, autosomal recessive, with axonal neuropathy 2 (SCAN2). Also called: Ataxia with Oculomotor Apraxia; ATAXIA-OCULOMOTOR APRAXIA 2; Ataxia with Oculomotor Apraxia Type 2; Ataxia-ocular apraxia-2. Identifiers: Orphanet 64753, MedGen C1853761, MONDO:0018996, OMIM 606002.

Allele frequency attached by ClinVar (database versions not stated): gnomAD 0.00001; TOPMed 0.00001.
gnomAD v4.1: 2 of 1,605,440 alleles (0.00012%); highest among the groups gnomAD compares: Non-Finnish European, 0.00017%; no homozygotes.

Submission:

Labcorp Genetics (formerly Invitae), Labcorp
Classification: Uncertain significance for Amyotrophic lateral sclerosis type 4; Spinocerebellar ataxia, autosomal recessive, with axonal neuropathy 2. Last evaluated: 2022-07-18. Review status: criteria provided, single submitter. Criteria: Invitae Variant Classification Sherloc (09022015). Collection method: clinical testing. Allele origin: germline.
Comment: In summary, the available evidence is currently insufficient to determine the role of this variant in disease. Therefore, it has been classified as a Variant of Uncertain Significance. Advanced modeling of protein sequence and biophysical properties (such as structural, functional, and spatial information, amino acid conservation, physicochemical variation, residue mobility, and thermodynamic stability) performed at Invitae indicates that this missense variant is not expected to disrupt SETX protein function. ClinVar contains an entry for this variant (Variation ID: 1062848). This variant has not been reported in the literature in individuals affected with SETX-related conditions. This variant is present in population databases (rs781671592, gnomAD 0.0009%). This sequence change replaces methionine, which is neutral and non-polar, with leucine, which is neutral and non-polar, at codon 2324 of the SETX protein (p.Met2324Leu).

NM_015046.7(SETX):c.6970A>T (p.Met2324Leu)

Gene: SETX (senataxin; minus strand). Cytogenetic location: 9q34.13.
Variant type: single nucleotide variant.
Coding change: c.6970A>T on transcript NM_015046.7 (MANE Select); coding-DNA position 6970, A replaced by T.
Protein change: p.Met2324Leu; replaces methionine 2324 with leucine.
Molecular consequence: missense variant.
Genome position (GRCh38, 1-based): chr9:132,275,386, T>A on the plus strand (A>T on the coding strand, the complement: SETX is on the minus strand). VCF-style: chr9-132275386-T-A. GRCh37 (hg19) VCF-style: chr9-135150773-T-A.
Other names: c.6970A>T, p.Met2324Leu (NM_001351527.2, NM_001351528.2); short protein forms M2324L.
Identifiers: ClinVar variation 1062848 (VCV001062848.9), dbSNP rs781671592, ClinGen allele CA5296544.